The following is an entry in ClinVar:

ClinVar aggregate classification (germline): Benign. Review status: criteria provided, multiple submitters, no conflicts (2 of 4 stars). 7 submissions from 4 submitters: Benign (7). Last evaluated 2021-10-25.

Conditions:
Muscular dystrophy-dystroglycanopathy (congenital with brain and eye anomalies), type A3. Also called: WALKER-WARBURG SYNDROME OR MUSCLE-EYE-BRAIN DISEASE, POMGNT1-RELATED; Congenital muscular dystrophy-dystroglycanopathy with brain and eye anomalies, type A3; Muscular dystrophy-dystroglycanopathy (congenital with brain and eye anomalies), type A, 3. Identifiers: MedGen C3151519, MONDO:0009667, OMIM 253280.
Retinitis pigmentosa 76 (RP76). Identifiers: MedGen C4310704, MONDO:0014929, OMIM 617123.
Muscular dystrophy-dystroglycanopathy (congenital with impaired intellectual development), type B, 3. Also called: Muscular dystrophy-dystroglycanopathy (congenital with intellectual disability), type B3; MUSCULAR DYSTROPHY, CONGENITAL, POMGNT1-RELATED. Identifiers: MedGen C3150412, MONDO:0013155, OMIM 613151.
Autosomal recessive limb-girdle muscular dystrophy type 2O. Also called: MUSCULAR DYSTROPHY-DYSTROGLYCANOPATHY (LIMB-GIRDLE), TYPE C, 3; Limb-Girdle Muscular Dystrophy Type 3C; MUSCULAR DYSTROPHY-DYSTROGLYCANOPATHY, LIMB-GIRDLE, POMGNT1-RELATED. Identifiers: Orphanet 206564, MedGen C3150417, MONDO:0013161, OMIM 613157.

Allele frequency attached by ClinVar (database versions not stated): 1000 Genomes Project 0.36701; 1000 Genomes Project 30x 0.37039; TOPMed 0.37546; gnomAD 0.37882 and 0.37971; ExAC 0.38051; ESP Exome Variant Server 0.38052.
gnomAD v4.1: 576,210 of 1,602,566 alleles (36%); highest among the groups gnomAD compares: African/African-American, 45%; 105,720 homozygotes.

Submissions (7):

Genome-Nilou Lab
Classification: Benign for Muscular dystrophy-dystroglycanopathy (congenital with impaired intellectual development), type B, 3. Last evaluated: 2021-10-25. Review status: criteria provided, single submitter. Criteria: ACMG Guidelines, 2015. Collection method: clinical testing. Allele origin: germline. Affected: no.

Genome-Nilou Lab
Classification: Benign for Autosomal recessive limb-girdle muscular dystrophy type 2O. Last evaluated: 2021-10-25. Review status: criteria provided, single submitter. Criteria: ACMG Guidelines, 2015. Collection method: clinical testing. Allele origin: germline. Affected: no.

Genome-Nilou Lab
Classification: Benign for Muscular dystrophy-dystroglycanopathy (congenital with brain and eye anomalies), type A3. Last evaluated: 2021-07-01. Review status: criteria provided, single submitter. Criteria: ACMG Guidelines, 2015. Collection method: clinical testing. Allele origin: germline. Affected: no.

Genome-Nilou Lab
Classification: Benign for Retinitis pigmentosa 76. Last evaluated: 2021-07-01. Review status: criteria provided, single submitter. Criteria: ACMG Guidelines, 2015. Collection method: clinical testing. Allele origin: germline. Affected: no.

GeneDx
Classification: Benign. Last evaluated: 2018-06-14. Review status: criteria provided, single submitter. Criteria: GeneDx Variant Classification (06012015). Collection method: clinical testing. Allele origin: germline. Affected: yes.
Comment: This variant is considered likely benign or benign based on one or more of the following criteria: it is a conservative change, it occurs at a poorly conserved position in the protein, it is predicted to be benign by multiple in silico algorithms, and/or has population frequency not consistent with disease.

Breakthrough Genomics
Classification: Benign. Review status: criteria provided, single submitter. Criteria: ACMG Guidelines, 2015. Collection method: not provided. Allele origin: germline. Inheritance: Autosomal recessive inheritance. Affected: yes.

PreventionGenetics, part of Exact Sciences
Classification: Benign. Review status: criteria provided, single submitter. Criteria: ACMG Guidelines, 2015. Collection method: clinical testing. Allele origin: germline.

NM_017739.4(POMGNT1):c.1027-44A>G

Genes: POMGNT1 (protein O-linked mannose N-acetylglucosaminyltransferase 1 (beta 1,2-); minus strand), TSPAN1 (tetraspanin 1; plus strand). Cytogenetic location: 1p34.1.
Variant type: single nucleotide variant.
Coding change: c.1027-44A>G on transcript NM_017739.4 (MANE Select); 44 bases into the intron before coding-DNA position 1027, A replaced by G.
Molecular consequence: intron variant.
Genome position (GRCh38, 1-based): chr1:46,193,432, T>C on the plus strand (A>G on the coding strand, the complement: POMGNT1 is on the minus strand). VCF-style: chr1-46193432-T-C. GRCh37 (hg19) VCF-style: chr1-46659104-T-C.
Other names: c.1027-44A>G (NM_001243766.2, NM_001438686.1, NM_001438688.1 and 3 more transcripts); c.961-44A>G (NM_001290129.3, NM_001438691.1, NM_001438692.1); c.598-44A>G (NM_001290130.2).
Identifiers: ClinVar variation 260869 (VCV000260869.7), dbSNP rs7527668, ClinGen allele CA833514.
Genomic context (GRCh38, chr1:46,193,432, plus strand): 5'-ACCACATCCATGGGTTCCTGGGGGACATGGCCACTGCTCACCATGTGAGGTCACTTTCCC[T>C]CTGCCCACCTCTGCAATCCAAGGCCTTCACATTTCACAGCCCTTGCCTGGGCGGTCTCCC-3'